The following is an entry in ClinVar:

NM_000260.4(MYO7A):c.5522C>G (p.Thr1841Arg)

Gene: MYO7A (myosin VIIA; plus strand). Cytogenetic location: 11q13.5.
Variant type: single nucleotide variant.
Coding change: c.5522C>G on transcript NM_000260.4 (MANE Select); coding-DNA position 5522, C replaced by G.
Protein change: p.Thr1841Arg; replaces threonine 1841 with arginine.
Molecular consequence: missense variant.
Genome position (GRCh38, 1-based): chr11:77,205,503, C>G. VCF-style: chr11-77205503-C-G. GRCh37 (hg19) VCF-style: chr11-76916548-C-G.
Other names: c.5408C>G, p.Thr1803Arg (NM_001127180.2); c.5375C>G, p.Thr1792Arg (NM_001369365.1); short protein forms T1841R, T1803R, T1792R.
Identifiers: ClinVar variation 560894 (VCV000560894.2), dbSNP rs746667217, ClinGen allele CA381952926.

ClinVar aggregate classification (germline): Pathogenic/Likely pathogenic. Review status: no assertion criteria provided (0 of 4 stars). 2 submissions from 2 submitters: Pathogenic (1); Likely pathogenic (1). Last evaluated 2018-09-10.

Conditions:
Hearing loss, autosomal recessive. Also called: Rare autosomal recessive non-syndromic sensorineural deafness type DFNB; Nonsyndromic Hearing Loss, Recessive; Deafness, autosomal recessive; Autosomal recessive nonsyndromic deafness. Identifiers: Orphanet 90635, Orphanet 90636, MedGen C1846647, MONDO:0019588, OMIM 607197.
Deafness. Identifiers: MedGen C0011053, HP:0000365.

gnomAD v4.1: 1 of 1,596,444 alleles (0.000063%); highest among the groups gnomAD compares: South Asian, 0.0011%; no homozygotes.

Submissions (2):

Center for Statistical Genetics, Columbia University
Classification: Pathogenic for Deafness. Last evaluated: 2018-09-10. Review status: no assertion criteria provided. Collection method: research. Allele origin: inherited. Affected: yes.
Comment: Autosomal recessive

University of Washington Center for Mendelian Genomics, University of Washington
Classification: Likely pathogenic for non-syndromic autosomal recessive hearing loss. Review status: no assertion criteria provided. Collection method: research. Allele origin: inherited. Affected: yes.

Literature cited by the submitters: PubMed 30303587 (cited by University of Washington Center for Mendelian Genomics, University of Washington).